The following is an entry in ClinVar:

ClinVar aggregate classification (germline): Pathogenic/Likely pathogenic. Review status: criteria provided, multiple submitters, no conflicts (2 of 4 stars). 5 submissions from 5 submitters: Pathogenic (2); Likely pathogenic (2). 1 of the submissions does not count toward it. Last evaluated 2026-09-01.

Conditions:
Familial thoracic aortic aneurysm and aortic dissection (TAAD). Also called: Thoracic aortic aneurysms and dissections. Identifiers: Orphanet 91387, MedGen C4707243, MONDO:0019625.
Marfan syndrome (MFS). Also called: Marfan syndrome type 1; Marfan's syndrome; MARFAN SYNDROME, TYPE I; FBN1-Related Marfan Syndrome; Marfan syndrome, classic. Identifiers: Orphanet 284963, Orphanet 558, MedGen C0024796, MONDO:0007947, OMIM 154700.

Submissions (5):

Ambry Genetics
Classification: Likely pathogenic for Familial thoracic aortic aneurysm and aortic dissection. Last evaluated: 2026-09-01. Review status: criteria provided, single submitter. Criteria: Ambry Variant Classification Scheme 2023. Collection method: clinical testing. Allele origin: germline.
Comment: The p.C1513W variant (also known as c.4539C>G), located in coding exon 36 of the FBN1 gene, results from a C to G substitution at nucleotide position 4539. The cysteine at codon 1513 is replaced by tryptophan, an amino acid with highly dissimilar properties. The majority of FBN1 mutations identified to date have involved the substitution or generation of cysteine residues within cbEGF domains (Vollbrandt T et al. J Biol Chem. 2004;279(31):32924-32931). Internal structural analysis indicates this variant eliminates a disulfide bond critical for the structural integrity of the cbEGF-like #22 domain domain (Ambry internal data). This variant was reported in individual(s) with features consistent with Marfan syndrome (MFS) (Ganesh A et al. Arch. Ophthalmol. 2006;124:205-9; Howarth R et al. Genet. Test. 2007;11:146-52; Stheneur C et al. Eur. J. Hum. Genet. 2009;17:1121-8). This variant is considered to be rare based on population cohorts in the Genome Aggregation Database (gnomAD). This amino acid position is highly conserved in available vertebrate species. In addition, this alteration is predicted to be deleterious by in silico analysis. Based on the majority of available evidence to date, this variant is likely to be pathogenic.

GeneDx
Classification: Pathogenic. Last evaluated: 2023-05-15. Review status: criteria provided, single submitter. Criteria: GeneDx Variant Classification Process June 2021. Collection method: clinical testing. Allele origin: germline. Affected: yes.
Comment: Has been reported in association ectopia lentis or Marfan syndrome in published literature (Ganesh et al., 2006; Stheneur et al., 2009; Turner et al., 2009); Not observed at significant frequency in large population cohorts (gnomAD); In silico analysis supports that this missense variant has a deleterious effect on protein structure/function; Affects a cysteine residue within a calcium-binding EGF-like domain of the FBN1 gene, which may affect disulfide bonding and is predicted to alter the structure and function of the protein; cysteine substitutions in the calcium-binding EGF-like domains represent the majority of pathogenic missense changes associated with FBN1-related disorders (Collod-Beroud et al., 2003); This variant is associated with the following publications: (PMID: 19161152, 16476890, 19293843, 17627385)

CHEO Genetics Diagnostic Laboratory, Children's Hospital of Eastern Ontario
Classification: Likely pathogenic for Familial thoracic aortic aneurysm and aortic dissection. Last evaluated: 2022-01-19. Review status: criteria provided, single submitter. Criteria: ACMG Guidelines, 2015. Collection method: clinical testing. Allele origin: germline.

Labcorp Genetics (formerly Invitae), Labcorp
Classification: Pathogenic for Marfan syndrome; Familial thoracic aortic aneurysm and aortic dissection. Last evaluated: 2017-05-20. Review status: criteria provided, single submitter. Criteria: Invitae Variant Classification Sherloc (09022015). Collection method: clinical testing. Allele origin: germline.
Comment: This sequence change replaces cysteine with tryptophan at codon 1513 of the FBN1 protein (p.Cys1513Trp). The cysteine residue is highly conserved and there is a large physicochemical difference between cysteine and tryptophan. This variant generates a cysteine residue in an epidermal-growth-factor (EGF)–like domain of the FBN1 protein. Cysteine residues in these domains have been shown to be involved in the formation of disulfide bridges, which are critical for FBN1 protein structure and stability (PMID: 4750422, 16677079). Cysteine creating variants in these domains have been shown to affect protein stability and are overrepresented among individuals with Marfan syndrome (PMID: 15161917, 16571647, 17701892). For these reasons, this variant has been classified as Pathogenic. This variant has been reported in individuals affected with Marfan syndrome (PMID: 16476890, 17627385, 19293843). This variant is not present in population databases (ExAC no frequency).

Center for Medical Genetics Ghent, University of Ghent
Classification: Pathogenic for Marfan syndrome. Last evaluated: 2017-11-07. Review status: no assertion criteria provided. Collection method: clinical testing. Allele origin: germline. Affected: yes. Not counted in ClinVar's aggregate classification.

Literature cited by the submitters: PubMed 16476890 (cited by Ambry Genetics and Labcorp Genetics (formerly Invitae), Labcorp); PubMed 17627385 (cited by Ambry Genetics and Labcorp Genetics (formerly Invitae), Labcorp); PubMed 19161152 (cited by Ambry Genetics); PubMed 19293843 (cited by Ambry Genetics and Labcorp Genetics (formerly Invitae), Labcorp); PubMed 8136837 (cited by Ambry Genetics); PubMed 4750422 (cited by Labcorp Genetics (formerly Invitae), Labcorp); PubMed 16677079 (cited by Labcorp Genetics (formerly Invitae), Labcorp); PubMed 15161917 (cited by Labcorp Genetics (formerly Invitae), Labcorp); PubMed 16571647 (cited by Labcorp Genetics (formerly Invitae), Labcorp); PubMed 17701892 (cited by Labcorp Genetics (formerly Invitae), Labcorp).

NM_000138.5(FBN1):c.4539C>G (p.Cys1513Trp)

Gene: FBN1 (fibrillin 1; minus strand). Cytogenetic location: 15q21.1.
Variant type: single nucleotide variant.
Coding change: c.4539C>G on transcript NM_000138.5 (MANE Select); coding-DNA position 4539, C replaced by G.
Protein change: p.Cys1513Trp; replaces cysteine 1513 with tryptophan.
Molecular consequence: missense variant.
Genome position (GRCh38, 1-based): chr15:48,468,455, G>C on the plus strand (C>G on the coding strand, the complement: FBN1 is on the minus strand). VCF-style: chr15-48468455-G-C. GRCh37 (hg19) VCF-style: chr15-48760652-G-C.
Other names: short protein forms C1513W.
Identifiers: ClinVar variation 457215 (VCV000457215.15), dbSNP rs1555397203, ClinGen allele CA392353476.